The following is an entry in ClinVar:

ClinVar aggregate classification (germline): Uncertain significance (1 of 4 stars; one submission).

Conditions:
Neuropathy, hereditary sensory, type 2C. Also called: KIF1A-Related HSAN2 (HSAN2C); Hereditary sensory and autonomic neuropathy type IIC. Identifiers: Orphanet 970, MedGen C3280168, MONDO:0013634, OMIM 614213.
Intellectual disability, autosomal dominant 9 (NESCAVS). Also called: NESCAV SYNDROME; KIF1A-Related Neurodevelopmental Disorder. Identifiers: Orphanet 662367, MedGen C5393830, MONDO:0013656, OMIM 614255.
Hereditary spastic paraplegia 30. Identifiers: Orphanet 101010, MedGen C5235139, MONDO:0012476.

Allele frequency attached by ClinVar (database versions not stated): TOPMed below 0.00001; gnomAD 0.00001.
gnomAD v4.1: 14 of 1,588,200 alleles (0.00088%); highest among the groups gnomAD compares: Admixed American, 0.0018%; no homozygotes.

Submission:

Labcorp Genetics (formerly Invitae), Labcorp
Classification: Uncertain significance for Hereditary spastic paraplegia 30; Neuropathy, hereditary sensory, type 2C; Intellectual disability, autosomal dominant 9. Last evaluated: 2023-01-14. Review status: criteria provided, single submitter. Criteria: Invitae Variant Classification Sherloc (09022015). Collection method: clinical testing. Allele origin: germline.
Comment: This sequence change replaces valine, which is neutral and non-polar, with methionine, which is neutral and non-polar, at codon 787 of the KIF1A protein (p.Val787Met). In summary, the available evidence is currently insufficient to determine the role of this variant in disease. Therefore, it has been classified as a Variant of Uncertain Significance. Advanced modeling of protein sequence and biophysical properties (such as structural, functional, and spatial information, amino acid conservation, physicochemical variation, residue mobility, and thermodynamic stability) has been performed at Invitae for this missense variant, however the output from this modeling did not meet the statistical confidence thresholds required to predict the impact of this variant on KIF1A protein function. ClinVar contains an entry for this variant (Variation ID: 938761). This variant has not been reported in the literature in individuals affected with KIF1A-related conditions. The frequency data for this variant in the population databases is considered unreliable, as metrics indicate poor data quality at this position in the gnomAD database.

NM_001244008.2(KIF1A):c.2386G>A (p.Val796Met)

Gene: KIF1A (kinesin family member 1A; minus strand). Cytogenetic location: 2q37.3.
Variant type: single nucleotide variant.
Coding change: c.2386G>A on transcript NM_001244008.2 (MANE Select); coding-DNA position 2386, G replaced by A.
Protein change: p.Val796Met; replaces valine 796 with methionine.
Molecular consequence: missense variant.
Genome position (GRCh38, 1-based): chr2:240,760,723, C>T on the plus strand (G>A on the coding strand, the complement: KIF1A is on the minus strand). VCF-style: chr2-240760723-C-T. GRCh37 (hg19) VCF-style: chr2-241700140-C-T.
Other names: c.2386G>A, p.Val796Met (NM_001320705.2, NM_001330289.2, NM_001379638.1); c.2461G>A, p.Val821Met (NM_001330290.2, NM_001379631.1, NM_001379634.1 and 2 more transcripts); c.2359G>A, p.Val787Met (NM_001379632.1, NM_001379633.1, NM_001379636.1 and 10 more transcripts); c.2434G>A, p.Val812Met (NM_001379637.1, NM_001379648.1); short protein forms V787M, V796M, V812M, V821M.
Identifiers: ClinVar variation 938761 (VCV000938761.8), dbSNP rs1370744783, ClinGen allele CA351324702.